The following is an entry in ClinVar:

NM_030930.4(UNC93B1):c.532T>G (p.Ser178Ala)

Gene: UNC93B1 (unc-93B1 regulator of TLR signaling; minus strand). Cytogenetic location: 11q13.2.
Variant type: single nucleotide variant.
Coding change: c.532T>G on transcript NM_030930.4 (MANE Select); coding-DNA position 532, T replaced by G.
Protein change: p.Ser178Ala; replaces serine 178 with alanine.
Molecular consequence: missense variant.
Genome position (GRCh38, 1-based): chr11:67,999,541, A>C on the plus strand (T>G on the coding strand, the complement: UNC93B1 is on the minus strand). VCF-style: chr11-67999541-A-C. GRCh37 (hg19) VCF-style: chr11-67767011-A-C.
Other names: short protein forms S178A.
Identifiers: ClinVar variation 850695 (VCV000850695.8), dbSNP rs1857008782, ClinGen allele CA381576567.

ClinVar aggregate classification (germline): Uncertain significance (1 of 4 stars; one submission).

Conditions:
Encephalopathy, acute, infection-induced (herpes-specific), susceptibility to, 1. Also called: Herpes simplex encephalitis, susceptibility to, 1. Identifiers: Orphanet 1930, MedGen C2750180, MONDO:0024563, OMIM 610551.

Submission:

Labcorp Genetics (formerly Invitae), Labcorp
Classification: Uncertain significance for Encephalopathy, acute, infection-induced (herpes-specific), susceptibility to, 1. Last evaluated: 2019-12-04. Review status: criteria provided, single submitter. Criteria: Invitae Variant Classification Sherloc (09022015). Collection method: clinical testing. Allele origin: germline.
Comment: In summary, the available evidence is currently insufficient to determine the role of this variant in disease. Therefore, it has been classified as a Variant of Uncertain Significance. Algorithms developed to predict the effect of missense changes on protein structure and function (SIFT, PolyPhen-2, Align-GVGD) all suggest that this variant is likely to be tolerated, but these predictions have not been confirmed by published functional studies and their clinical significance is uncertain. This variant has not been reported in the literature in individuals with UNC93B1-related conditions. This variant is not present in population databases (ExAC no frequency). This sequence change replaces serine with alanine at codon 178 of the UNC93B1 protein (p.Ser178Ala). The serine residue is moderately conserved and there is a moderate physicochemical difference between serine and alanine.